The following is an entry in ClinVar:

NC_000001.11:g.(?_17053938)_(17054029_?)del

Genes: SDHB (succinate dehydrogenase complex iron sulfur subunit B; minus strand), LOC129929542 (ATAC-STARR-seq lymphoblastoid active region 277; plus strand). Cytogenetic location: 1p36.13.
Variant type: Deletion.
Identifiers: ClinVar variation 583582 (VCV000583582.3).

ClinVar aggregate classification (germline): Pathogenic (1 of 4 stars; one submission).

Conditions:
Pheochromocytoma. Also called: MAX-Related Hereditary Paraganglioma-Pheochromocytoma Syndrome. Identifiers: Orphanet 29072, MedGen C0031511, MONDO:0008233, OMIM 171300, HP:0002666.
Pheochromocytoma/paraganglioma syndrome 4. Also called: PARAGANGLIOMA, FAMILIAL MALIGNANT; PARAGANGLIOMAS, HEREDITARY EXTRAADRENAL; PHEOCHROMOCYTOMA, FAMILIAL EXTRAADRENAL; SDHB-Related Hereditary Paraganglioma-Pheochromocytoma Syndrome (Paragangliomas 4); CAROTID BODY TUMORS AND MULTIPLE EXTRAADRENAL PHEOCHROMOCYTOMAS; SDHB-Related Hereditary Paraganglioma-Pheochromocytoma Syndrome. Identifiers: Orphanet 29072, MedGen C1861848, MONDO:0007273, OMIM 115310.
Gastrointestinal stromal tumor. Also called: Gastrointestinal stromal tumor, somatic; Gastrointestinal stroma tumor. Identifiers: Orphanet 44890, MedGen C0238198, MeSH D046152, MONDO:0011719, OMIM 606764, HP:0100723.

Submission:

Labcorp Genetics (formerly Invitae), Labcorp
Classification: Pathogenic for Gastrointestinal stroma tumor; Paragangliomas 4; Pheochromocytoma. Last evaluated: 2019-07-11. Review status: criteria provided, single submitter. Criteria: Invitae Variant Classification Sherloc (09022015). Collection method: clinical testing. Allele origin: germline.
Comment: This variant is a gross deletion of the genomic region encompassing exon 1 of the SDHB gene, which includes the initiator codon. The 5' end of this event is unknown as it extends beyond the assayed region for this gene and therefore may encompass additional genes. The 3' boundary is likely confined to intron 1 of the SDHB gene. This is expected to result in an absent or disrupted protein product. Similar deletions that encompass exon 1 have been reported in individuals and families affected with paraganglioma and pheochromocytoma (PMID: 19389109, 19351833, 16258955, 15531530, 19802898, 18057081, 25683602). A recurrent deletion of exon 1 has been reported to be a founder mutation in populations originating from the Iberian peninsula (PMID: 19802898, 19389109). Loss-of-function variants in SDHB are known to be pathogenic (PMID: 19454582, 19802898). For these reasons, this variant has been classified as Pathogenic.

Literature cited by the submitters: PubMed 25683602; PubMed 19351833; PubMed 19389109; PubMed 18057081; PubMed 19802898; PubMed 16258955; PubMed 15531530.